The following is an entry in ClinVar:

ClinVar aggregate classification (germline): Uncertain significance (1 of 4 stars; one submission).

Submission:

Labcorp Genetics (formerly Invitae), Labcorp
Classification: Uncertain significance. Last evaluated: 2022-04-22. Review status: criteria provided, single submitter. Criteria: Invitae Variant Classification Sherloc (09022015). Collection method: clinical testing. Allele origin: germline.
Comment: This sequence change replaces valine, which is neutral and non-polar, with phenylalanine, which is neutral and non-polar, at codon 104 of the TNS2 protein (p.Val104Phe). This variant is present in population databases (no rsID available, gnomAD 0.003%). This variant has not been reported in the literature in individuals affected with TNS2-related conditions. Algorithms developed to predict the effect of missense changes on protein structure and function are either unavailable or do not agree on the potential impact of this missense change (SIFT: "Deleterious"; PolyPhen-2: "Possibly Damaging"; Align-GVGD: "Class C0"). In summary, the available evidence is currently insufficient to determine the role of this variant in disease. Therefore, it has been classified as a Variant of Uncertain Significance.

NM_170754.4(TNS2):c.280G>T (p.Val94Phe)

Genes: TNS2 (tensin 2; plus strand), TNS2-AS1 (TNS2 antisense RNA 1; minus strand). Cytogenetic location: 12q13.13.
Variant type: single nucleotide variant.
Coding change: c.280G>T on transcript NM_170754.4 (MANE Select); coding-DNA position 280, G replaced by T.
Protein change: p.Val94Phe; replaces valine 94 with phenylalanine.
Molecular consequence: missense variant. On other transcripts: 5 prime UTR variant (1).
Genome position (GRCh38, 1-based): chr12:53,053,792, G>T. VCF-style: chr12-53053792-G-T. GRCh37 (hg19) VCF-style: chr12-53447576-G-T.
Other names: c.280G>T, p.Val94Phe (NM_001416202.1, NM_001416204.1); c.211G>T, p.Val71Phe (NM_001416203.1, NM_015319.3); c.-93G>T (NM_198316.2); short protein forms V104F, V94F, V71F.
Identifiers: ClinVar variation 1981088 (VCV001981088.4), dbSNP rs1277747710, ClinGen allele CA385002719.